The following is an entry in ClinVar:

NM_001163435.3(TBCK):c.588G>C (p.Glu196Asp)

Gene: TBCK (TBC1 domain containing kinase; minus strand). Cytogenetic location: 4q24.
Variant type: single nucleotide variant.
Coding change: c.588G>C on transcript NM_001163435.3 (MANE Select); coding-DNA position 588, G replaced by C.
Protein change: p.Glu196Asp; replaces glutamic acid 196 with aspartic acid.
Molecular consequence: missense variant. On other transcripts: intron variant (1).
Genome position (GRCh38, 1-based): chr4:106,251,875, C>G on the plus strand (G>C on the coding strand, the complement: TBCK is on the minus strand). VCF-style: chr4-106251875-C-G. GRCh37 (hg19) VCF-style: chr4-107173032-C-G.
Other names: c.588G>C, p.Glu196Asp (NM_001163436.4); c.72G>C, p.Glu24Asp (NM_001290768.2); c.399G>C, p.Glu133Asp (NM_033115.5); c.480+108G>C (NM_001163437.3); short protein forms E133D, E196D, E24D.
Identifiers: ClinVar variation 4807585 (VCV004807585.1).

ClinVar aggregate classification (germline): Uncertain significance (1 of 4 stars; one submission).

gnomAD v4.1: 2 of 1,598,994 alleles (0.00013%); highest among the groups gnomAD compares: Admixed American, 0.0034%; no homozygotes.

Submission:

Labcorp Genetics (formerly Invitae), Labcorp
Classification: Uncertain significance. Last evaluated: 2025-12-30. Review status: criteria provided, single submitter. Criteria: Invitae Variant Classification Sherloc (09022015). Collection method: clinical testing. Allele origin: germline.
Comment: This sequence change replaces glutamic acid, which is acidic and polar, with aspartic acid, which is acidic and polar, at codon 196 of the TBCK protein (p.Glu196Asp). This variant is present in population databases (rs749588240, gnomAD 0.006%). This variant has not been reported in the literature in individuals affected with TBCK-related conditions. Invitae Evidence Modeling of protein sequence and biophysical properties (such as structural, functional, and spatial information, amino acid conservation, physicochemical variation, residue mobility, and thermodynamic stability) indicates that this missense variant is not expected to disrupt TBCK protein function with a negative predictive value of 80%. In summary, the available evidence is currently insufficient to determine the role of this variant in disease. Therefore, it has been classified as a Variant of Uncertain Significance.